The following is an entry in ClinVar:

NM_006231.4(POLE):c.3069C>A (p.Asn1023Lys)

Gene: POLE (DNA polymerase epsilon, catalytic subunit; minus strand). Cytogenetic location: 12q24.33.
Variant type: single nucleotide variant.
Coding change: c.3069C>A on transcript NM_006231.4 (MANE Select); coding-DNA position 3069, C replaced by A.
Protein change: p.Asn1023Lys; replaces asparagine 1023 with lysine.
Molecular consequence: missense variant.
Genome position (GRCh38, 1-based): chr12:132,659,501, G>T on the plus strand (C>A on the coding strand, the complement: POLE is on the minus strand). VCF-style: chr12-132659501-G-T. GRCh37 (hg19) VCF-style: chr12-133236087-G-T.
Other names: c.3069C>A (NM_006231.2); short protein forms N1023K.
Identifiers: ClinVar variation 2014934 (VCV002014934.5), dbSNP rs759786460, ClinGen allele CA387391894.

ClinVar aggregate classification (germline): Uncertain significance. Review status: criteria provided, multiple submitters, no conflicts (2 of 4 stars). 2 submissions from 2 submitters: Uncertain significance (2). Last evaluated 2025-08-25.

Conditions:
Hereditary cancer-predisposing syndrome. Also called: Hereditary Cancer Syndrome; Neoplastic Syndromes, Hereditary; Hereditary neoplastic syndrome; Tumor predisposition. Identifiers: Orphanet 140162, MedGen C0027672, MeSH D009386, MONDO:0015356.

gnomAD v4.1: 1 of 1,613,956 alleles (0.000062%); highest among the groups gnomAD compares: South Asian, 0.0011%; no homozygotes.

Submissions (2):

Ambry Genetics
Classification: Uncertain significance for Hereditary cancer-predisposing syndrome. Last evaluated: 2025-08-25. Review status: criteria provided, single submitter. Criteria: Ambry Variant Classification Scheme 2023. Collection method: clinical testing. Allele origin: germline.
Comment: The p.N1023K variant (also known as c.3069C>A), located in coding exon 26 of the POLE gene, results from a C to A substitution at nucleotide position 3069. The asparagine at codon 1023 is replaced by lysine, an amino acid with similar properties. This amino acid position is conserved. In addition, this alteration is predicted to be tolerated by in silico analysis. Based on the available evidence, the clinical significance of this variant remains unclear.

Labcorp Genetics (formerly Invitae), Labcorp
Classification: Uncertain significance. Last evaluated: 2024-04-17. Review status: criteria provided, single submitter. Criteria: Invitae Variant Classification Sherloc (09022015). Collection method: clinical testing. Allele origin: germline.
Comment: This sequence change replaces asparagine, which is neutral and polar, with lysine, which is basic and polar, at codon 1023 of the POLE protein (p.Asn1023Lys). This variant is not present in population databases (gnomAD no frequency). This variant has not been reported in the literature in individuals affected with POLE-related conditions. ClinVar contains an entry for this variant (Variation ID: 2014934). Advanced modeling of protein sequence and biophysical properties (such as structural, functional, and spatial information, amino acid conservation, physicochemical variation, residue mobility, and thermodynamic stability) performed at Invitae indicates that this missense variant is not expected to disrupt POLE protein function with a negative predictive value of 80%. In summary, the available evidence is currently insufficient to determine the role of this variant in disease. Therefore, it has been classified as a Variant of Uncertain Significance.